The following is an entry in ClinVar:

ClinVar aggregate classification (germline): Uncertain significance (1 of 4 stars; one submission).

Conditions:
NCOA1-related disorder. Also called: NCOA1-related condition.

gnomAD v4.1: 6 of 1,613,942 alleles (0.00037%); highest among the groups gnomAD compares: Non-Finnish European, 0.00051%; no homozygotes.

Submission:

PreventionGenetics, part of Exact Sciences
Classification: Uncertain significance for NCOA1-related condition. Last evaluated: 2025-11-19. Review status: criteria provided, single submitter. Criteria: ACMG Guidelines, 2015. Collection method: clinical testing. Allele origin: germline.
Comment: The NCOA1 c.4244T>C variant is predicted to result in the amino acid substitution p.Leu1415Pro. To our knowledge, this variant has not been reported in the literature or in a large population database (gnomAD), indicating this variant is rare. At this time, the clinical significance of this variant is uncertain due to the absence of conclusive functional and genetic evidence.

NM_003743.5(NCOA1):c.4244T>C (p.Leu1415Pro)

Gene: NCOA1 (nuclear receptor coactivator 1; plus strand). Cytogenetic location: 2p23.3.
Variant type: single nucleotide variant.
Coding change: c.4244T>C on transcript NM_003743.5 (MANE Select); coding-DNA position 4244, T replaced by C.
Protein change: p.Leu1415Pro; replaces leucine 1415 with proline.
Molecular consequence: missense variant. On other transcripts: 3 prime UTR variant (5).
Genome position (GRCh38, 1-based): chr2:24,768,309, T>C. VCF-style: chr2-24768309-T-C. GRCh37 (hg19) VCF-style: chr2-24991178-T-C.
Other names: c.*101T>C (NM_001362950.1, NM_001362952.1, NM_001362955.1 and 1 more transcripts); c.*98T>C (NM_001362954.1); c.4241T>C, p.Leu1414Pro (NM_147233.2); short protein forms L1414P, L1415P.
Identifiers: ClinVar variation 4997600 (VCV004997600.1).